The following is an entry in ClinVar:

NM_000038.6(APC):c.588C>G (p.Ile196Met)

Gene: APC (APC regulator of Wnt signaling pathway; plus strand). Cytogenetic location: 5q22.2.
Variant type: single nucleotide variant.
Coding change: c.588C>G on transcript NM_000038.6 (MANE Select); coding-DNA position 588, C replaced by G.
Protein change: p.Ile196Met; replaces isoleucine 196 with methionine.
Molecular consequence: missense variant. On other transcripts: 5 prime UTR variant (1).
Genome position (GRCh38, 1-based): chr5:112,780,846, C>G. VCF-style: chr5-112780846-C-G. GRCh37 (hg19) VCF-style: chr5-112116543-C-G.
Other names: c.588C>G, p.Ile196Met (NM_001354895.2, NM_001127510.3, NM_001354896.2 and 2 more transcripts); c.618C>G, p.Ile206Met (NM_001127511.3, NM_001354897.2, NM_001354902.2); c.411C>G, p.Ile137Met (NM_001354900.2, NM_001354901.2, NM_001354905.2); c.513C>G, p.Ile171Met (NM_001354898.2, NM_001354904.2); c.-448C>G (NM_001354906.2); short protein forms I196M, I206M, I137M, I171M.
Identifiers: ClinVar variation 826031 (VCV000826031.4), dbSNP rs147846364, ClinGen allele CA16022622.

ClinVar aggregate classification (germline): Uncertain significance (1 of 4 stars; one submission).

Conditions:
Hereditary cancer-predisposing syndrome. Also called: Neoplastic Syndromes, Hereditary; Tumor predisposition; Hereditary neoplastic syndrome; Hereditary Cancer Syndrome. Identifiers: Orphanet 140162, MedGen C0027672, MeSH D009386, MONDO:0015356.

Submission:

Ambry Genetics
Classification: Uncertain significance for Hereditary cancer-predisposing syndrome. Last evaluated: 2018-11-03. Review status: criteria provided, single submitter. Criteria: Ambry Variant Classification Scheme 2023. Collection method: clinical testing. Allele origin: germline.
Comment: The p.I196M variant (also known as c.588C>G), located in coding exon 5 of the APC gene, results from a C to G substitution at nucleotide position 588. The isoleucine at codon 196 is replaced by methionine, an amino acid with highly similar properties. This amino acid position is highly conserved in available vertebrate species. In addition, in silico predictors for this gene do not accurately predict pathogenicity. Since supporting evidence is limited at this time, the clinical significance of this alteration remains unclear.